The following is an entry in ClinVar:

NM_201384.3(PLEC):c.10933C>T (p.Arg3645Cys)

Gene: PLEC (plectin; minus strand). Cytogenetic location: 8q24.3.
Variant type: single nucleotide variant.
Coding change: c.10933C>T on transcript NM_201384.3 (MANE Select); coding-DNA position 10933, C replaced by T.
Protein change: p.Arg3645Cys; replaces arginine 3645 with cysteine.
Molecular consequence: missense variant.
Genome position (GRCh38, 1-based): chr8:143,918,888, G>A on the plus strand (C>T on the coding strand, the complement: PLEC is on the minus strand). VCF-style: chr8-143918888-G-A. GRCh37 (hg19) VCF-style: chr8-144993056-G-A.
Other names: c.11014C>T, p.Arg3672Cys (NM_000445.5); c.10891C>T, p.Arg3631Cys (NM_201378.4); c.10867C>T, p.Arg3623Cys (NM_201379.3); c.11344C>T, p.Arg3782Cys (NM_201380.4); c.10837C>T, p.Arg3613Cys (NM_201381.3); c.10933C>T, p.Arg3645Cys (NM_201382.4); c.10945C>T, p.Arg3649Cys (NM_201383.3); short protein forms R3613C, R3631C, R3645C, R3649C, R3623C, R3672C, R3782C.
Identifiers: ClinVar variation 579841 (VCV000579841.17), dbSNP rs782194334, ClinGen allele CA4924492.

ClinVar aggregate classification (germline): Uncertain significance. Review status: criteria provided, multiple submitters, no conflicts (2 of 4 stars). 5 submissions from 5 submitters: Uncertain significance (5). Last evaluated 2026-03-31.

Conditions:
PLEC-related disorder. Also called: PLEC-related disorders; PLEC-related condition.
Epidermolysis bullosa simplex 5C, with pyloric atresia (EBS5C). Also called: PLEC-Related Epidermolysis Bullosa with Pyloric Atresia; PLEC1-Related Epidermolysis Bullosa with Pyloric Atresia; Epidermolysis bullosa simplex with pyloric atresia. Identifiers: Orphanet 158684, MedGen C2677349, MONDO:0012807, OMIM 612138.
Epidermolysis bullosa simplex, Ogna type (EBS5A). Also called: Pidermolysis bullosa simplex 5A, Ogna type; EPIDERMOLYSIS BULLOSA SIMPLEX 5A, OGNA TYPE. Identifiers: Orphanet 79401, MedGen C0432317, MONDO:0007555, OMIM 131950.
Epidermolysis bullosa simplex 5B, with muscular dystrophy (EBS5B). Also called: Epidermolysis bullosa simplex with muscular dystrophy; EPIDERMOLYSIS BULLOSA SIMPLEX AND LIMB-GIRDLE MUSCULAR DYSTROPHY. Identifiers: Orphanet 257, MedGen C2931072, MONDO:0009181, OMIM 226670.
Epidermolysis bullosa simplex with nail dystrophy (EBS5D). Identifiers: MedGen C4225309, MONDO:0014661, OMIM 616487.
Autosomal recessive limb-girdle muscular dystrophy type 2Q (LGMDR17). Also called: MUSCULAR DYSTROPHY, LIMB-GIRDLE, AUTOSOMAL RECESSIVE 17. Identifiers: Orphanet 254361, MedGen C3150989, MONDO:0013390, OMIM 613723.
Inborn genetic diseases. Identifiers: MedGen C0950123, MeSH D030342.

Allele frequency attached by ClinVar (database versions not stated): ExAC 0.00008; gnomAD 0.00008 and 0.00009; gnomAD exomes 0.00008 and 0.00014; TOPMed 0.00010.
gnomAD v4.1: 204 of 1,612,116 alleles (0.013%); highest among the groups gnomAD compares: African/African-American, 0.019%; 1 homozygote.

Submissions (5):

PreventionGenetics, part of Exact Sciences
Classification: Uncertain significance for PLEC-related condition. Last evaluated: 2026-03-31. Review status: criteria provided, single submitter. Criteria: ACMG Guidelines, 2015. Collection method: clinical testing. Allele origin: germline.
Comment: The PLEC c.11014C>T variant is predicted to result in the amino acid substitution p.Arg3672Cys. To our knowledge, this variant has not been reported in the literature. This variant is reported in 0.025% of alleles in individuals of African descent in gnomAD. At this time, the clinical significance of this variant is uncertain due to the absence of conclusive functional and genetic evidence.

Ambry Genetics
Classification: Uncertain significance for Inborn genetic diseases. Last evaluated: 2025-05-18. Review status: criteria provided, single submitter. Criteria: Ambry Variant Classification Scheme 2023. Collection method: clinical testing. Allele origin: germline.

Labcorp Genetics (formerly Invitae), Labcorp
Classification: Uncertain significance for Autosomal recessive limb-girdle muscular dystrophy type 2Q; Epidermolysis bullosa simplex, Ogna type; Epidermolysis bullosa simplex with nail dystrophy; Epidermolysis bullosa simplex 5C, with pyloric atresia; Epidermolysis bullosa simplex 5B, with muscular dystrophy. Last evaluated: 2025-05-05. Review status: criteria provided, single submitter. Criteria: Invitae Variant Classification Sherloc (09022015). Collection method: clinical testing. Allele origin: germline.
Comment: This sequence change replaces arginine, which is basic and polar, with cysteine, which is neutral and slightly polar, at codon 3672 of the PLEC protein (p.Arg3672Cys). This variant is present in population databases (rs782194334, gnomAD 0.03%). This variant has not been reported in the literature in individuals affected with PLEC-related conditions. ClinVar contains an entry for this variant (Variation ID: 579841). An algorithm developed to predict the effect of missense changes on protein structure and function (PolyPhen-2) suggests that this variant is likely to be disruptive. In summary, the available evidence is currently insufficient to determine the role of this variant in disease. Therefore, it has been classified as a Variant of Uncertain Significance.

Revvity Omics, Revvity
Classification: Uncertain significance. Last evaluated: 2022-11-14. Review status: criteria provided, single submitter. Criteria: ACMG Guidelines, 2015. Collection method: clinical testing. Allele origin: germline.

Athena Diagnostics
Classification: Uncertain significance. Last evaluated: 2017-11-29. Review status: criteria provided, single submitter. Criteria: Athena Diagnostics Criteria. Collection method: clinical testing. Allele origin: germline.